The following is an entry in ClinVar:

ClinVar aggregate classification (germline): Benign/Likely benign. Review status: criteria provided, multiple submitters, no conflicts (2 of 4 stars). 2 submissions from 2 submitters: Benign (1); Likely benign (1). Last evaluated 2025-10-01.

Allele frequency attached by ClinVar (database versions not stated): 1000 Genomes Project 30x 0.00109; 1000 Genomes Project 0.00140; TOPMed 0.00328; ESP Exome Variant Server 0.00400; gnomAD 0.00828.
gnomAD v4.1: 10,174 of 1,614,208 alleles (0.63%); highest among the groups gnomAD compares: Non-Finnish European, 0.63%; 65 homozygotes.

Submissions (2):

CeGaT Center for Human Genetics Tuebingen
Classification: Likely benign. Last evaluated: 2025-10-01. Review status: criteria provided, single submitter. Criteria: CeGaT Center For Human Genetics Tuebingen Variant Classification Criteria Version 2. Collection method: clinical testing. Allele origin: germline. Affected: yes. Observed: 3 variant alleles.
Comment: MCC: BS2

Labcorp Genetics (formerly Invitae), Labcorp
Classification: Benign. Last evaluated: 2018-05-31. Review status: criteria provided, single submitter. Criteria: Invitae Variant Classification Sherloc (09022015). Collection method: clinical testing. Allele origin: germline.

NM_001085377.2(MCC):c.2143G>C (p.Gly715Arg)

Gene: MCC (MCC regulator of Wnt signaling pathway; minus strand). Cytogenetic location: 5q22.2.
Variant type: single nucleotide variant.
Coding change: c.2143G>C on transcript NM_001085377.2 (MANE Select); coding-DNA position 2143, G replaced by C.
Protein change: p.Gly715Arg; replaces glycine 715 with arginine.
Molecular consequence: missense variant.
Genome position (GRCh38, 1-based): chr5:113,064,054, C>G on the plus strand (G>C on the coding strand, the complement: MCC is on the minus strand). VCF-style: chr5-113064054-C-G. GRCh37 (hg19) VCF-style: chr5-112399751-C-G.
Other names: c.1573G>C, p.Gly525Arg (NM_002387.3); short protein forms G715R, G525R.
Identifiers: ClinVar variation 712996 (VCV000712996.27), dbSNP rs151039584, ClinGen allele CA3370015.